The following is an entry in ClinVar:

NM_004281.4(BAG3):c.1667C>T (p.Ala556Val)

Gene: BAG3 (BAG cochaperone 3; plus strand). Cytogenetic location: 10q26.11.
Variant type: single nucleotide variant.
Coding change: c.1667C>T on transcript NM_004281.4 (MANE Select); coding-DNA position 1667, C replaced by T.
Protein change: p.Ala556Val; replaces alanine 556 with valine.
Molecular consequence: missense variant.
Genome position (GRCh38, 1-based): chr10:119,677,221, C>T. VCF-style: chr10-119677221-C-T. GRCh37 (hg19) VCF-style: chr10-121436733-C-T.
Other names: short protein forms A556V.
Identifiers: ClinVar variation 1422587 (VCV001422587.6), dbSNP rs886046756, ClinGen allele CA378297816.

ClinVar aggregate classification (germline): Uncertain significance (1 of 4 stars; one submission).

Conditions:
Myofibrillar myopathy 6. Identifiers: Orphanet 199340, MedGen C2751831, MONDO:0013061, OMIM 612954.
Dilated cardiomyopathy 1HH (CMD1HH). Identifiers: Orphanet 154, MedGen C3151293, MONDO:0013479, OMIM 613881.

Submission:

Labcorp Genetics (formerly Invitae), Labcorp
Classification: Uncertain significance for Dilated cardiomyopathy 1HH; Myofibrillar myopathy 6. Last evaluated: 2021-10-23. Review status: criteria provided, single submitter. Criteria: Invitae Variant Classification Sherloc (09022015). Collection method: clinical testing. Allele origin: germline.
Comment: Algorithms developed to predict the effect of missense changes on protein structure and function are either unavailable or do not agree on the potential impact of this missense change (SIFT: "Tolerated"; PolyPhen-2: "Not Available"; Align-GVGD: "Class C0"). In summary, the available evidence is currently insufficient to determine the role of this variant in disease. Therefore, it has been classified as a Variant of Uncertain Significance. This variant has not been reported in the literature in individuals affected with BAG3-related conditions. This sequence change replaces alanine with valine at codon 556 of the BAG3 protein (p.Ala556Val). The alanine residue is moderately conserved and there is a small physicochemical difference between alanine and valine. This variant is not present in population databases (ExAC no frequency).